The following is an entry in ClinVar:

ClinVar aggregate classification (germline): Pathogenic. Review status: criteria provided, multiple submitters, no conflicts (2 of 4 stars). 5 submissions from 5 submitters: Pathogenic (3). 2 of the submissions do not count toward it. Last evaluated 2025-08-06.

Conditions:
Charcot-Marie-Tooth disease. Also called: Charcot-Marie-Tooth Hereditary Neuropathy; Charcot-Marie-Tooth Neuropathy. Identifiers: Orphanet 166, MedGen C0007959, MONDO:0015626.
Charcot-Marie-Tooth disease, type I (CMT1). Also called: Charcot-Marie-Tooth disease type 1; Charcot-Marie-Tooth, Type 1. Identifiers: Orphanet 65753, MedGen C0751036, MONDO:0019011.
Charcot-Marie-Tooth disease type 1D. Also called: Charcot-Marie-Tooth disease, demyelinating, type 1d; CHARCOT-MARIE-TOOTH NEUROPATHY, TYPE 1D; HEREDITARY MOTOR AND SENSORY NEUROPATHY 1D; HMSN ID. Identifiers: Orphanet 101084, MedGen C1843247, MONDO:0011890, OMIM 607678.

Allele frequency attached by ClinVar (database versions not stated): gnomAD exomes below 0.00001.

Submissions (5):

Mayo Clinic Laboratories, Mayo Clinic
Classification: Pathogenic. Last evaluated: 2025-08-06. Review status: criteria provided, single submitter. Criteria: ACMG Guidelines, 2015. Collection method: clinical testing. Allele origin: germline. Observed: 1 variant allele.
Comment: PP2, PM2_supporting, PM5, PM6, PS4

Labcorp Genetics (formerly Invitae), Labcorp
Classification: Pathogenic for Charcot-Marie-Tooth disease, type I. Last evaluated: 2023-11-14. Review status: criteria provided, single submitter. Criteria: Invitae Variant Classification Sherloc (09022015). Collection method: clinical testing. Allele origin: germline.
Comment: This sequence change replaces arginine, which is basic and polar, with cysteine, which is neutral and slightly polar, at codon 381 of the EGR2 protein (p.Arg381Cys). This variant is not present in population databases (gnomAD no frequency). This missense change has been observed in individual(s) with Charcot–Marie–Tooth disease type 1D (CMT1D) (PMID: 11239949, 20513111). In at least one individual the variant was observed to be de novo. It has also been observed to segregate with disease in related individuals. ClinVar contains an entry for this variant (Variation ID: 637524). Advanced modeling of protein sequence and biophysical properties (such as structural, functional, and spatial information, amino acid conservation, physicochemical variation, residue mobility, and thermodynamic stability) performed at Invitae indicates that this missense variant is expected to disrupt EGR2 protein function with a positive predictive value of 80%. This variant disrupts the p.Arg381 amino acid residue in EGR2. Other variant(s) that disrupt this residue have been determined to be pathogenic (PMID: 10762521, 22765307, 25720245). This suggests that this residue is clinically significant, and that variants that disrupt this residue are likely to be disease-causing. For these reasons, this variant has been classified as Pathogenic.

Athena Diagnostics
Classification: Pathogenic. Last evaluated: 2021-10-15. Review status: criteria provided, single submitter. Criteria: Athena Diagnostics Criteria. Collection method: clinical testing. Allele origin: unknown.
Comment: This variant has not been reported in large, multi-ethnic general populations. This variant has been identified in multiple unrelated individuals with clinical features associated with this gene, including a de novo case. At least one other missense variant at this codon is considered to be pathogenic or likely pathogenic, suggesting this variant may also cause disease. This variant alters a critical location within the protein, and is expected to severely affect function and cause disease.

Inherited Neuropathy Consortium Ii, University Of Miami
Classification: Uncertain significance for Charcot-Marie-Tooth disease type 1D. Last evaluated: 2016-01-06. Review status: no assertion criteria provided. Collection method: literature only. Allele origin: germline. Affected: yes. Not counted in ClinVar's aggregate classification.

Inherited Neuropathy Consortium
Classification: Uncertain significance for Charcot-Marie-Tooth disease. Review status: no assertion criteria provided. Collection method: literature only. Allele origin: germline. Affected: yes. Not counted in ClinVar's aggregate classification.

Literature cited by the submitters: PubMed 11239949 (cited by 5 submitters); PubMed 20513111 (cited by 3 submitters); PubMed 31919945 (cited by Mayo Clinic Laboratories, Mayo Clinic and Athena Diagnostics); PubMed 32376792 (cited by Mayo Clinic Laboratories, Mayo Clinic and Athena Diagnostics); PubMed 37306961 (cited by Mayo Clinic Laboratories, Mayo Clinic); PubMed 10762521 (cited by Labcorp Genetics (formerly Invitae), Labcorp); PubMed 22765307 (cited by Labcorp Genetics (formerly Invitae), Labcorp); PubMed 25720245 (cited by Labcorp Genetics (formerly Invitae), Labcorp); PubMed 32896048 (cited by Athena Diagnostics); PubMed 27422849 (cited by Athena Diagnostics); PubMed 27164712 (cited by Athena Diagnostics).

NM_000399.5(EGR2):c.1141C>T (p.Arg381Cys)

Gene: EGR2 (early growth response 2; minus strand). Cytogenetic location: 10q21.3.
Variant type: single nucleotide variant.
Coding change: c.1141C>T on transcript NM_000399.5 (MANE Select); coding-DNA position 1141, C replaced by T.
Protein change: p.Arg381Cys; replaces arginine 381 with cysteine.
Molecular consequence: missense variant.
Genome position (GRCh38, 1-based): chr10:62,813,497, G>A on the plus strand (C>T on the coding strand, the complement: EGR2 is on the minus strand). VCF-style: chr10-62813497-G-A. GRCh37 (hg19) VCF-style: chr10-64573257-G-A.
Other names: p.Arg381Cys; c.1141C>T, p.Arg381Cys (NM_001136177.3, NM_001136178.2); c.991C>T, p.Arg331Cys (NM_001136179.3, NM_001321037.2); short protein forms R381C, R331C.
Identifiers: ClinVar variation 637524 (VCV000637524.14), dbSNP rs1589080524, ClinGen allele CA377027531.